The following is an entry in ClinVar:

NM_001367624.2(ZNF469):c.10942_10944del (p.Lys3648del)

Gene: ZNF469 (zinc finger protein 469; plus strand). Cytogenetic location: 16q24.2.
Variant type: Deletion.
Coding change: c.10942_10944del on transcript NM_001367624.2 (MANE Select); coding-DNA positions 10942 to 10944, 3 bases deleted (AAG; older notation c.10942_10944delAAG).
Protein change: p.Lys3648del; deletes lysine 3648.
Molecular consequence: inframe deletion.
Genome position (GRCh38, 1-based): chr16:88,438,412-88,438,414, AAG deleted; deleting any 3 consecutive bases within chr16:88,438,410-88,438,414 gives the same sequence; the c. name uses the placement nearest the transcript's 3' end. VCF-style (leftmost placement, unchanged base first): chr16-88438409-GAGA-G. GRCh37 (hg19) VCF-style: chr16-88504817-GAGA-G.
Other names: NM_001127464.1:c.10858_10860delAAG; c.10942_10944delAAG (NM_001367624.2); short protein forms K3648del.
Identifiers: ClinVar variation 1787395 (VCV001787395.3), dbSNP rs867440305, ClinGen allele CA286387420.

ClinVar aggregate classification (germline): Uncertain significance. Review status: criteria provided, multiple submitters, no conflicts (2 of 4 stars). 2 submissions from 2 submitters: Uncertain significance (2). Last evaluated 2026-03-02.

Conditions:
Cardiovascular phenotype. Identifiers: MedGen CN230736.

Submissions (2):

Women's Health and Genetics/Laboratory Corporation of America, LabCorp
Classification: Uncertain significance. Last evaluated: 2026-03-02. Review status: criteria provided, single submitter. Criteria: LabCorp Variant Classification Summary - May 2015. Collection method: clinical testing. Allele origin: germline.
Comment: Variant summary: ZNF469 c.10942_10944delAAG (p.Lys3648del) results in an in-frame deletion that is predicted to remove one amino acids from the encoded protein. The variant allele was found at a frequency of 6.8e-06 in 146648 control chromosomes. The available data on variant occurrences in the general population are insufficient to allow any conclusion about variant significance. To our knowledge, no occurrence of c.10942_10944delAAG in individuals affected with ZNF469-related conditions and no experimental evidence demonstrating its impact on protein function have been reported. ClinVar contains an entry for this variant (Variation ID: 1787395). Based on the evidence outlined above, the variant was classified as uncertain significance.

Ambry Genetics
Classification: Uncertain significance for Cardiovascular phenotype. Last evaluated: 2019-05-17. Review status: criteria provided, single submitter. Criteria: Ambry Variant Classification Scheme 2023. Collection method: clinical testing. Allele origin: germline.
Comment: The c.10858_10860delAAG variant (also known as p.K3620del) is located in coding exon 2 of the ZNF469 gene. This variant results from an in-frame AAG deletion at nucleotide positions 10858 to 10860. This results in the in-frame deletion of a lysine residue at codon 3620. This amino acid position is not well conserved in available vertebrate species. Since supporting evidence is limited at this time, the clinical significance of this alteration remains unclear.